The following is an entry in ClinVar:

ClinVar aggregate classification (germline): Conflicting classifications of pathogenicity. Review status: criteria provided, conflicting classifications (1 of 4 stars). 3 submissions from 3 submitters: Uncertain significance (2); Likely benign (1). Last evaluated 2025-04-18.

Conditions:
Chuvash polycythemia. Also called: POLYCYTHEMIA, VHL-DEPENDENT. Identifiers: Orphanet 238557, MedGen C1837915, MONDO:0009892, OMIM 263400.
Von Hippel-Lindau syndrome (VHLS). Also called: VHL syndrome; von Hippel–Lindau syndrome; Von Hippel-Lindau. Identifiers: Orphanet 892, MedGen C0019562, MONDO:0008667, OMIM 193300. Disease mechanism: loss of function.
Hereditary cancer-predisposing syndrome. Also called: Hereditary neoplastic syndrome; Neoplastic Syndromes, Hereditary; Hereditary Cancer Syndrome; Tumor predisposition. Identifiers: Orphanet 140162, MedGen C0027672, MeSH D009386, MONDO:0015356.

Submissions (3):

Labcorp Genetics (formerly Invitae), Labcorp
Classification: Uncertain significance for Von Hippel-Lindau syndrome; Chuvash polycythemia. Last evaluated: 2025-04-18. Review status: criteria provided, single submitter. Criteria: Invitae Variant Classification Sherloc (09022015). Collection method: clinical testing. Allele origin: germline.
Comment: This sequence change replaces valine, which is neutral and non-polar, with leucine, which is neutral and non-polar, at codon 13 of the VHL protein (p.Val13Leu). This variant is not present in population databases (gnomAD no frequency). This variant has not been reported in the literature in individuals affected with VHL-related conditions. ClinVar contains an entry for this variant (Variation ID: 1395342). Invitae Evidence Modeling of protein sequence and biophysical properties (such as structural, functional, and spatial information, amino acid conservation, physicochemical variation, residue mobility, and thermodynamic stability) indicates that this missense variant is not expected to disrupt VHL protein function with a negative predictive value of 95%. In summary, the available evidence is currently insufficient to determine the role of this variant in disease. Therefore, it has been classified as a Variant of Uncertain Significance.

Ambry Genetics
Classification: Likely benign for Hereditary cancer-predisposing syndrome. Last evaluated: 2025-02-03. Review status: criteria provided, single submitter. Criteria: Ambry Variant Classification Scheme 2023. Collection method: clinical testing. Allele origin: germline.

All of Us Research Program, National Institutes of Health
Classification: Uncertain significance for Von Hippel-Lindau syndrome. Last evaluated: 2024-08-06. Review status: criteria provided, single submitter. Criteria: ACMG Guidelines, 2015. Collection method: clinical testing. Allele origin: germline. Inheritance: Autosomal dominant inheritance. Observed: 1 variant allele, 1 heterozygote.
Comment: This study involves interpretation of variants in research participants for the purpose of population health screening. Participant phenotype was not available at the time of variant classification. Additional details can be found in publication PMID: 35346344, PMCID: PMC8962531

NM_000551.4(VHL):c.37G>C (p.Val13Leu)

Gene: VHL (von Hippel-Lindau tumor suppressor; plus strand). Cytogenetic location: 3p25.3.
Variant type: single nucleotide variant.
Coding change: c.37G>C on transcript NM_000551.4 (MANE Select); coding-DNA position 37, G replaced by C.
Protein change: p.Val13Leu; replaces valine 13 with leucine.
Molecular consequence: missense variant.
Genome position (GRCh38, 1-based): chr3:10,141,884, G>C. VCF-style: chr3-10141884-G-C. GRCh37 (hg19) VCF-style: chr3-10183568-G-C.
Other names: c.37G>C, p.Val13Leu (NM_001354723.2, NM_198156.3); c.37G>C (NM_000551.3); short protein forms V13L.
Identifiers: ClinVar variation 1395342 (VCV001395342.10), dbSNP rs919338576, ClinGen allele CA351747145.